The following is an entry in ClinVar:

ClinVar aggregate classification (germline): not provided (0 of 4 stars; one submission).

Conditions:
Van der Woude syndrome 1. Also called: van der Woude Syndrome (VWS); CLEFT LIP AND/OR PALATE WITH MUCOUS CYSTS OF LOWER LIP. Identifiers: MedGen C4551864, MONDO:0007333, OMIM 119300.

Submission:

GeneReviews
No classification provided. Condition: Van der Woude syndrome 1. Review status: no classification provided. Collection method: literature only. Allele origin: germline.
Comment: Seen only in persons with Van der Woude syndrome

Literature cited by the submitters: NCBI Bookshelf NBK1407.

NM_006147.4(IRF6):c.251G>C (p.Arg84Pro)

Gene: IRF6 (interferon regulatory factor 6; minus strand). Cytogenetic location: 1q32.2.
Variant type: single nucleotide variant.
Coding change: c.251G>C on transcript NM_006147.4 (MANE Select); coding-DNA position 251, G replaced by C.
Protein change: p.Arg84Pro; replaces arginine 84 with proline.
Molecular consequence: missense variant. On other transcripts: 5 prime UTR variant (1).
Genome position (GRCh38, 1-based): chr1:209,796,476, C>G on the plus strand (G>C on the coding strand, the complement: IRF6 is on the minus strand). VCF-style: chr1-209796476-C-G. GRCh37 (hg19) VCF-style: chr1-209969821-C-G.
Other names: c.-35G>C (NM_001206696.2); short protein forms R84P.
Identifiers: ClinVar variation 1320306 (VCV001320306.2), dbSNP rs121434227, ClinGen allele CA344583331.